The following is an entry in ClinVar:

NM_003922.4(HERC1):c.9979G>A (p.Val3327Met)

Gene: HERC1 (HECT and RLD domain containing E3 ubiquitin protein ligase family member 1; minus strand). Cytogenetic location: 15q22.31.
Variant type: single nucleotide variant.
Coding change: c.9979G>A on transcript NM_003922.4 (MANE Select); coding-DNA position 9979, G replaced by A.
Protein change: p.Val3327Met; replaces valine 3327 with methionine.
Molecular consequence: missense variant.
Genome position (GRCh38, 1-based): chr15:63,655,847, C>T on the plus strand (G>A on the coding strand, the complement: HERC1 is on the minus strand). VCF-style: chr15-63655847-C-T. GRCh37 (hg19) VCF-style: chr15-63948046-C-T.
Other names: short protein forms V3327M.
Identifiers: ClinVar variation 2118505 (VCV002118505.4), dbSNP rs2551188475, ClinGen allele CA392756653.

ClinVar aggregate classification (germline): Uncertain significance (1 of 4 stars; one submission).

Submission:

Labcorp Genetics (formerly Invitae), Labcorp
Classification: Uncertain significance. Last evaluated: 2022-11-08. Review status: criteria provided, single submitter. Criteria: Invitae Variant Classification Sherloc (09022015). Collection method: clinical testing. Allele origin: germline.
Comment: Advanced modeling of protein sequence and biophysical properties (such as structural, functional, and spatial information, amino acid conservation, physicochemical variation, residue mobility, and thermodynamic stability) performed at Invitae indicates that this missense variant is expected to disrupt HERC1 protein function. In summary, the available evidence is currently insufficient to determine the role of this variant in disease. Therefore, it has been classified as a Variant of Uncertain Significance. This variant has not been reported in the literature in individuals affected with HERC1-related conditions. This sequence change replaces valine, which is neutral and non-polar, with methionine, which is neutral and non-polar, at codon 3327 of the HERC1 protein (p.Val3327Met). This variant is not present in population databases (gnomAD no frequency).